The following is an entry in ClinVar:

NM_001711.6(BGN):c.955G>A (p.Asp319Asn)

Gene: BGN (biglycan; plus strand). Cytogenetic location: Xq28.
Variant type: single nucleotide variant.
Coding change: c.955G>A on transcript NM_001711.6 (MANE Select); coding-DNA position 955, G replaced by A.
Protein change: p.Asp319Asn; replaces aspartic acid 319 with asparagine.
Molecular consequence: missense variant.
Genome position (GRCh38, 1-based): chrX:153,508,293, G>A. VCF-style: chrX-153508293-G-A. GRCh37 (hg19) VCF-style: chrX-152773751-G-A.
Other names: short protein forms D319N.
Identifiers: ClinVar variation 1675114 (VCV001675114.2), dbSNP rs933381952, ClinGen allele CA337215394.

ClinVar aggregate classification (germline): Uncertain significance (1 of 4 stars; one submission).

Conditions:
X-linked spondyloepimetaphyseal dysplasia. Identifiers: Orphanet 93349, MedGen C1848097, MONDO:0010248, OMIM 300106.
Meester-Loeys syndrome. Also called: X-linked severe syndromic thoracic aortic aneurysm and dissection. Identifiers: Orphanet 622925, MedGen C4310811, MONDO:0010515, OMIM 300989.

Allele frequency attached by ClinVar (database versions not stated): gnomAD 0.00001; gnomAD exomes 0.00001.

Submission:

Center for Genomics, Ann and Robert H. Lurie Children's Hospital of Chicago
Classification: Uncertain significance for Meester-Loeys syndrome; X-linked spondyloepimetaphyseal dysplasia. Review status: criteria provided, single submitter. Criteria: ACMG Guidelines, 2015. Collection method: clinical testing. Allele origin: germline.
Comment: BGN NM_001711.5 exon 8 p.Asp319Asn (c.955G>A): This variant has not been reported in the literature but is present in 0.003% (1/31073) of African alleles in the Genome Aggregation Database. Evolutionary conservation and computational predictive tools suggest that this variant may impact the protein. In summary, data on this variant is insufficient for disease classification. Therefore, the clinical significance of this variant is uncertain.